The following is an entry in ClinVar:

NM_006790.3(MYOT):c.686G>T (p.Ser229Ile)

Genes: PKD2L2-DT (PKD2L2 divergent transcript; minus strand), MYOT (myotilin; plus strand). Cytogenetic location: 5q31.2.
Variant type: single nucleotide variant.
Coding change: c.686G>T on transcript NM_006790.3 (MANE Select); coding-DNA position 686, G replaced by T.
Protein change: p.Ser229Ile; replaces serine 229 with isoleucine.
Molecular consequence: missense variant.
Genome position (GRCh38, 1-based): chr5:137,881,975, G>T. VCF-style: chr5-137881975-G-T. GRCh37 (hg19) VCF-style: chr5-137217664-G-T.
Other names: c.134G>T, p.Ser45Ile (NM_001135940.2); c.341G>T, p.Ser114Ile (NM_001300911.2); short protein forms S229I, S45I, S114I.
Identifiers: ClinVar variation 161651 (VCV000161651.2), dbSNP rs193920888, ClinGen allele CA174530.

ClinVar aggregate classification (germline): Uncertain significance (0 of 4 stars; one submission).

Conditions:
Prostate cancer. Also called: Malignant tumor of prostate. Identifiers: Orphanet 1331, MedGen C0376358, MONDO:0008315, HP:0012125.

Submission:

Science for Life laboratory,  Karolinska Institutet
Classification: Uncertain significance for Malignant tumor of prostate. Review status: no assertion criteria provided. Collection method: not provided. Allele origin: somatic.
Comment: TumorID:SWE-17
ClinVar note: Converted during submission from Unknown to Uncertain significance.